The following is an entry in ClinVar:

ClinVar aggregate classification (germline): Pathogenic/Likely pathogenic. Review status: criteria provided, multiple submitters, no conflicts (2 of 4 stars). 2 submissions from 2 submitters: Pathogenic (1); Likely pathogenic (1). Last evaluated 2022-05-31.

Conditions:
Osteogenesis imperfecta (OI). Identifiers: Orphanet 666, MedGen C0029434, MeSH D010013, MONDO:0019019.

Allele frequency attached by ClinVar (database versions not stated): TOPMed below 0.00001; gnomAD 0.00001.
gnomAD v4.1: 1 of 1,613,334 alleles (0.000062%); highest among the groups gnomAD compares: African/African-American, 0.0013%; no homozygotes.

Submissions (2):

Labcorp Genetics (formerly Invitae), Labcorp
Classification: Pathogenic. Last evaluated: 2022-05-31. Review status: criteria provided, single submitter. Criteria: Invitae Variant Classification Sherloc (09022015). Collection method: clinical testing. Allele origin: germline.
Comment: This variant has not been reported in the literature in individuals affected with LRP5-related conditions. This sequence change creates a premature translational stop signal (p.Trp1278*) in the LRP5 gene. It is expected to result in an absent or disrupted protein product. Loss-of-function variants in LRP5 are known to be pathogenic (PMID: 11719191, 16252235, 25711638). This variant is not present in population databases (gnomAD no frequency). For these reasons, this variant has been classified as Pathogenic.

Genome Diagnostics Laboratory, The Hospital for Sick Children
Classification: Likely pathogenic for Osteogenesis imperfecta. Last evaluated: 2021-01-08. Review status: criteria provided, single submitter. Criteria: ACMG Guidelines, 2015. Collection method: clinical testing. Allele origin: germline.

Literature cited by the submitters: PubMed 11719191 (cited by Labcorp Genetics (formerly Invitae), Labcorp); PubMed 16252235 (cited by Labcorp Genetics (formerly Invitae), Labcorp); PubMed 25711638 (cited by Labcorp Genetics (formerly Invitae), Labcorp).

NM_002335.4(LRP5):c.3834G>A (p.Trp1278Ter)

Gene: LRP5 (LDL receptor related protein 5; plus strand). Cytogenetic location: 11q13.2.
Variant type: single nucleotide variant.
Coding change: c.3834G>A on transcript NM_002335.4 (MANE Select); coding-DNA position 3834, G replaced by A.
Protein change: p.Trp1278Ter; replaces tryptophan 1278 with a stop codon.
Molecular consequence: nonsense.
Genome position (GRCh38, 1-based): chr11:68,433,672, G>A. VCF-style: chr11-68433672-G-A. GRCh37 (hg19) VCF-style: chr11-68201140-G-A.
Other names: c.2091G>A, p.Trp697Ter (NM_001291902.2); short protein forms W1278*, W697*.
Identifiers: ClinVar variation 1702019 (VCV001702019.8), dbSNP rs2098673217, ClinGen allele CA381613719.
Genomic context (GRCh38, chr11:68,433,672, plus strand): 5'-CTGCTCCCCGGACCAGTTTGCATGTGCCACAGGGGAGATCGACTGTATCCCCGGGGCCTG[G>A]CGCTGTGACGGCTTTCCCGAGTGCGATGACCAGAGCGACGAGGAGGGCTGCCCCGTGTGC-3'